The following is an entry in ClinVar:

ClinVar aggregate classification (germline): Benign (1 of 4 stars; one submission).

Conditions:
Tuberous sclerosis 2 (TSC2). Identifiers: Orphanet 805, MedGen C1860707, MONDO:0013199, OMIM 613254.

Submission:

Myriad Genetics, Inc.
Classification: Benign for Tuberous sclerosis 2. Last evaluated: 2025-05-02. Review status: criteria provided, single submitter. Criteria: Myriad Autosomal Dominant, Autosomal Recessive and X-Linked Classification Criteria (2023). Collection method: clinical testing. Allele origin: unknown.
Comment: This variant is considered benign. This variant is a silent/synonymous amino acid change and it is not expected to impact splicing.

NM_000548.5(TSC2):c.288G>A (p.Glu96=)

Gene: TSC2 (TSC complex subunit 2; plus strand). Cytogenetic location: 16p13.3.
Variant type: single nucleotide variant.
Coding change: c.288G>A on transcript NM_000548.5 (MANE Select); coding-DNA position 288, G replaced by A.
Protein change: p.Glu96=; no amino-acid change (glutamic acid 96 retained).
Molecular consequence: synonymous variant. On other transcripts: 5 prime UTR variant (14), non-coding transcript variant (5), intron variant (9).
Genome position (GRCh38, 1-based): chr16:2,053,404, G>A. VCF-style: chr16-2053404-G-A. GRCh37 (hg19) VCF-style: chr16-2103405-G-A.
Other names: c.288G>A, p.Glu96= (NM_001077183.3, NM_001114382.3, NM_001363528.2 and 10 more transcripts); c.141G>A, p.Glu47= (NM_001318829.2, NM_001406675.1, NM_001406676.1 and 2 more transcripts); c.321G>A, p.Glu107= (NM_001318832.2); c.-529G>A (NM_001406680.1, NM_001406683.1, NM_001406687.1); c.-158G>A (NM_001406681.1); c.-1144G>A (NM_001406689.1, NM_001406690.1, NM_001406691.1 and 2 more transcripts); c.-1450G>A (NM_001406693.1); c.-1025G>A (NM_001406694.1, NM_001406695.1); and 4 more.
Identifiers: ClinVar variation 4071336 (VCV004071336.1).